The following is an entry in ClinVar:

ClinVar aggregate classification (germline): Likely pathogenic (1 of 4 stars; one submission).

Submission:

Labcorp Genetics (formerly Invitae), Labcorp
Classification: Likely pathogenic. Last evaluated: 2021-05-28. Review status: criteria provided, single submitter. Criteria: Invitae Variant Classification Sherloc (09022015). Collection method: clinical testing. Allele origin: germline.
Comment: This variant disrupts the triple helix domain of COL4A5. Glycine residues within the Gly-Xaa-Yaa repeats of the triple helix domain are required for the structure and stability of fibrillar collagens (PMID: 7695699, 8218237, 19344236). In COL4A5, missense variants at these glycine residues are significantly enriched in individuals with disease (PMID: 23720012, 27627812) compared to the general population (ExAC). In summary, the currently available evidence indicates that the variant is pathogenic, but additional data are needed to prove that conclusively. Therefore, this variant has been classified as Likely Pathogenic. Advanced modeling of protein sequence and biophysical properties (such as structural, functional, and spatial information, amino acid conservation, physicochemical variation, residue mobility, and thermodynamic stability) performed at Invitae indicates that this missense variant is expected to disrupt COL4A5 protein function. This variant has been observed in individual(s) with clinical features of Alport Syndrome (PMID: 17660027). ClinVar contains an entry for this variant (Variation ID: 24545). This variant is not present in population databases (ExAC no frequency). This sequence change replaces glycine with glutamic acid at codon 875 of the COL4A5 protein (p.Gly875Glu). The glycine residue is highly conserved and there is a moderate physicochemical difference between glycine and glutamic acid.

Literature cited by the submitters: PubMed 7695699; PubMed 8218237; PubMed 19344236; PubMed 23720012; PubMed 27627812; PubMed 17660027.

NM_033380.3(COL4A5):c.2624G>A (p.Gly875Glu)

Gene: COL4A5 (collagen type IV alpha 5 chain; plus strand). Cytogenetic location: Xq22.3.
Variant type: single nucleotide variant.
Coding change: c.2624G>A on transcript NM_033380.3 (MANE Select); coding-DNA position 2624, G replaced by A.
Protein change: p.Gly875Glu; replaces glycine 875 with glutamic acid.
Molecular consequence: missense variant.
Genome position (GRCh38, 1-based): chrX:108,620,373, G>A. VCF-style: chrX-108620373-G-A. GRCh37 (hg19) VCF-style: chrX-107863603-G-A.
Other names: c.2624G>A, p.Gly875Glu (NM_000495.5); short protein forms G875E.
Identifiers: ClinVar variation 1508169 (VCV001508169.5), dbSNP rs104886191, ClinGen allele CA258724.